The following is an entry in ClinVar:

NM_004064.5(CDKN1B):c.44G>A (p.Arg15Gln)

Gene: CDKN1B (cyclin dependent kinase inhibitor 1B; plus strand). Cytogenetic location: 12p13.1.
Variant type: single nucleotide variant.
Coding change: c.44G>A on transcript NM_004064.5 (MANE Select); coding-DNA position 44, G replaced by A.
Protein change: p.Arg15Gln; replaces arginine 15 with glutamine.
Molecular consequence: missense variant.
Genome position (GRCh38, 1-based): chr12:12,717,883, G>A. VCF-style: chr12-12717883-G-A. GRCh37 (hg19) VCF-style: chr12-12870817-G-A.
Other names: short protein forms R15Q.
Identifiers: ClinVar variation 5034232 (VCV005034232.1).
Genomic context (GRCh38, chr12:12,717,883, plus strand): 5'-GCAGACCCGGGAGAAAGATGTCAAACGTGCGAGTGTCTAACGGGAGCCCTAGCCTGGAGC[G>A]GATGGACGCCAGGCAGGCGGAGCACCCCAAGCCCTCGGCCTGCAGGAACCTCTTCGGCCC-3'
Protein context (NP_004055.1, residues 5-25): RVSNGSPSLE[Arg15Gln]MDARQAEHPK

ClinVar aggregate classification (germline): Uncertain significance (1 of 4 stars; one submission).

Conditions:
Hereditary cancer-predisposing syndrome. Also called: Hereditary Cancer Syndrome; Neoplastic Syndromes, Hereditary; Tumor predisposition; Hereditary neoplastic syndrome. Identifiers: Orphanet 140162, MedGen C0027672, MeSH D009386, MONDO:0015356.

Submission:

Ambry Genetics
Classification: Uncertain significance for Hereditary cancer-predisposing syndrome. Last evaluated: 2026-07-04. Review status: criteria provided, single submitter. Criteria: Ambry Variant Classification Scheme 2023. Collection method: clinical testing. Allele origin: germline.
Comment: The p.R15Q variant (also known as c.44G>A), located in coding exon 1 of the CDKN1B gene, results from a G to A substitution at nucleotide position 44. The arginine at codon 15 is replaced by glutamine, an amino acid with highly similar properties. This amino acid position is conserved. In addition, the in silico prediction for this alteration is inconclusive. Based on the available evidence, the clinical significance of this variant remains unclear.